The following is an entry in ClinVar:

ClinVar aggregate classification (germline): Pathogenic. Review status: reviewed by expert panel (3 of 4 stars). 4 submissions from 4 submitters: Pathogenic (1). 3 of the submissions do not count toward it. Last evaluated 2026-05-19.

Conditions:
Immunodeficiency 36 with lymphoproliferation. Also called: ACTIVATED PI3K-DELTA SYNDROME 2; Immunodeficiency 36; Activated PI3K Delta Syndrome Type 2 (APDS2). Identifiers: Orphanet 397596, Orphanet 693681, MedGen C4014934, MONDO:0014453, OMIM 616005.
PIK3R1-related immunodeficiency and SHORT syndrome. Identifiers: MedGen CN379774, MONDO:1060136.

Submissions (5):

ClinGen Primary Immune Regulatory Disorders Variant Curation Expert Panel, ClinGen
Classification: Pathogenic for PIK3R1-related immunodeficiency and SHORT syndrome. Last evaluated: 2026-05-19. Review status: reviewed by expert panel. Criteria: ClinGen AbDef ACMG Specifications PIK3R1 V1.0.0. Collection method: curation. Allele origin: germline. Inheritance: Autosomal dominant inheritance.
Comment: NM_181523.3(PIK3R1):c.1425+2T>G disrupts a canonical splice site and has been shown by an mRNA splicing assay to result in skipping of exon 11 of the PIK3R1 protein (PMID: 27221134, PVS1_Strong). This variant is located within the splice donor/acceptor +/-1,2 dinucleotide positions with a comparable variant (c.1425+1G>A) within the same splice donor/acceptor +/-1,2 dinucleotide that has been classified Pathogenic by VCEP standards. This variant is absent from gnomAD v4.1.0 (PM2_Supporting). This variant has been reported in at least 1 proband with a phenotype that includes a diagnosis of activated PI3K-delta syndrome, upper respiratory infections (4 pts), adenopathy with lymphoid hyperplasia (4 pts), growth retardation (2 pts), Increased IgM (0.5 pts), decreased IgA and IgG (0.5 pts), and B lymphopenia (0.5 pts), with genotyping method not reported in sufficient detail to exclude alternative causes in other loci (11.5 total points, PMID: 27221134, PS4_Supporting). The variant was identified as a de novo occurrence in this proband with unconfirmed parental relationships, with the phenotype considered to be consistent with PIK3R1-related immunodeficiency and SHORT syndrome (PS2_Supporting; PMID: 27221134). In summary, this variant meets the criteria to be classified as pathogenic for autosomal dominant PIK3R1-related immunodeficiency and SHORT syndrome based on the ACMG/AMP criteria applied, as specified by the ClinGen Antibody Deficiencies VCEP: PVS1_Strong, PS1, PM2_Supporting, PS4_Supporting, and PS2_Supporting. (VCEP specifications version 1.0.0; date of approval 04/29/2026).

GeneDx
Classification: Pathogenic. Last evaluated: 2024-12-23. Review status: criteria provided, single submitter. Criteria: GeneDx Variant Classification Process June 2021. Collection method: clinical testing. Allele origin: germline. Affected: yes. Not counted in ClinVar's aggregate classification.
Comment: Identified in multiple patients in published literature with clinical features of APDS, including in one individual as an assumed de novo variant (PMID: 39620215, 35753512, 27221134); Canonical splice site variant predicted to result in an in-frame loss of the adjacent exon in a gene for which loss of function is a known mechanism of disease; Not observed at significant frequency in large population cohorts (gnomAD); Different variants affecting the same splice site including, c.1425+1G>A and c.1425+1G>T, have been reported as pathogenic in the published literature and/or at GeneDx in patients with PIK3R1-related features (PMID: 27076228, 27116393, 25133428); This variant is associated with the following publications: (PMID: 30799802, 32181277, 27221134, 33401995, 39620215, 37202577, 34134972, 35753512)

CeGaT Center for Human Genetics Tuebingen
Classification: Pathogenic. Last evaluated: 2021-12-01. Review status: criteria provided, single submitter. Criteria: CeGaT Center For Human Genetics Tuebingen Variant Classification Criteria Version 2. Collection method: clinical testing. Allele origin: germline. Affected: yes. Observed: 1 variant allele. Not counted in ClinVar's aggregate classification.

OMIM
Classification: Pathogenic for IMMUNODEFICIENCY 36 WITH LYMPHOPROLIFERATION. Last evaluated: 2023-03-15. Review status: no assertion criteria provided. Collection method: literature only. Allele origin: germline. Not counted in ClinVar's aggregate classification.

Dr. Peter K. Rogan Lab, Western University
No classification provided (evidence only). Condition: Melanoma. Review status: no classification provided. Collection method: in vitro. Allele origin: not applicable. Functional consequence: skipped exon. Not counted in ClinVar's aggregate classification.

Literature cited by the submitters: PubMed 27221134 (cited by OMIM).

NM_181523.3(PIK3R1):c.1425+2T>G

Gene: PIK3R1 (phosphoinositide-3-kinase regulatory subunit 1; plus strand). Cytogenetic location: 5q13.1.
Variant type: single nucleotide variant.
Coding change: c.1425+2T>G on transcript NM_181523.3 (MANE Select); the canonical splice donor site of the intron after coding-DNA position 1425, T replaced by G.
Molecular consequence: splice donor variant.
Genome position (GRCh38, 1-based): chr5:68,293,836, T>G. VCF-style: chr5-68293836-T-G. GRCh37 (hg19) VCF-style: chr5-67589664-T-G.
Other names: NC_000005.9:g.67589664T>G; IVS11DS, T-G, +2; c.525+2T>G (NM_181524.2); c.615+2T>G (NM_181504.4); c.336+2T>G (NM_001242466.2).
Identifiers: ClinVar variation 446498 (VCV000446498.40), dbSNP rs1554051075, ClinGen allele CA359880512.
Genomic context (GRCh38, chr5:68,293,836, plus strand): 5'-TTCAAGAAAAAAGTCGAGAATATGATAGATTATATGAAGAATATACCCGCACATCCCAGG[T>G]GAGTTTTCTATGAAAATCAGATTAAAAAATAAGAGTTCTAAACTTTTAAAGACTAACATG-3'